The following is an entry in ClinVar:

ClinVar aggregate classification (germline): Uncertain significance (1 of 4 stars; one submission).

Conditions:
Epidermodysplasia verruciformis. Identifiers: Orphanet 302, MedGen C0014522, MONDO:0009176.

Allele frequency attached by ClinVar (database versions not stated): gnomAD exomes below 0.00001 and 0.00001; ExAC 0.00001; gnomAD 0.00002 and 0.00003.
gnomAD v4.1: 15 of 1,613,516 alleles (0.00093%); highest among the groups gnomAD compares: Admixed American, 0.0017%; no homozygotes.

Submission:

Labcorp Genetics (formerly Invitae), Labcorp
Classification: Uncertain significance for Epidermodysplasia verruciformis. Last evaluated: 2024-07-15. Review status: criteria provided, single submitter. Criteria: Invitae Variant Classification Sherloc (09022015). Collection method: clinical testing. Allele origin: germline.
Comment: This sequence change replaces arginine, which is basic and polar, with glutamine, which is neutral and polar, at codon 744 of the TMC6 protein (p.Arg744Gln). This variant is not present in population databases (gnomAD no frequency). This variant has not been reported in the literature in individuals affected with TMC6-related conditions. ClinVar contains an entry for this variant (Variation ID: 1416577). An algorithm developed to predict the effect of missense changes on protein structure and function (PolyPhen-2) suggests that this variant is likely to be tolerated. In summary, the available evidence is currently insufficient to determine the role of this variant in disease. Therefore, it has been classified as a Variant of Uncertain Significance.

NM_001127198.5(TMC6):c.2231G>A (p.Arg744Gln)

Gene: TMC6 (transmembrane channel like 6; minus strand). Cytogenetic location: 17q25.3.
Variant type: single nucleotide variant.
Coding change: c.2231G>A on transcript NM_001127198.5 (MANE Select); coding-DNA position 2231, G replaced by A.
Protein change: p.Arg744Gln; replaces arginine 744 with glutamine.
Molecular consequence: missense variant. On other transcripts: non-coding transcript variant (4).
Genome position (GRCh38, 1-based): chr17:78,117,315, C>T on the plus strand (G>A on the coding strand, the complement: TMC6 is on the minus strand). VCF-style: chr17-78117315-C-T. GRCh37 (hg19) VCF-style: chr17-76113396-C-T.
Other names: c.2231G>A, p.Arg744Gln (NM_001321185.1, NM_001374596.1, NM_001375353.1 and 2 more transcripts); c.2051G>A, p.Arg684Gln (NM_001374593.1, NM_001374594.1); short protein forms R744Q, R684Q.
Identifiers: ClinVar variation 1416577 (VCV001416577.6), dbSNP rs765770297, ClinGen allele CA8795370.